The following is an entry in ClinVar:

ClinVar aggregate classification (germline): Uncertain significance. Review status: criteria provided, multiple submitters, no conflicts (2 of 4 stars). 2 submissions from 2 submitters: Uncertain significance (2). Last evaluated 2025-06-12.

Conditions:
Inborn genetic diseases. Identifiers: MedGen C0950123, MeSH D030342.

Allele frequency attached by ClinVar (database versions not stated): ExAC 0.00001; gnomAD exomes 0.00001; TOPMed 0.00003; gnomAD 0.00006.
gnomAD v4.1: 20 of 1,613,358 alleles (0.0012%); highest among the groups gnomAD compares: African/African-American, 0.024%; no homozygotes.

Submissions (2):

Labcorp Genetics (formerly Invitae), Labcorp
Classification: Uncertain significance. Last evaluated: 2025-06-12. Review status: criteria provided, single submitter. Criteria: Invitae Variant Classification Sherloc (09022015). Collection method: clinical testing. Allele origin: germline.
Comment: This sequence change replaces leucine, which is neutral and non-polar, with phenylalanine, which is neutral and non-polar, at codon 135 of the PIGP protein (p.Leu135Phe). This variant is present in population databases (rs763288452, gnomAD 0.01%). This variant has not been reported in the literature in individuals affected with PIGP-related conditions. ClinVar contains an entry for this variant (Variation ID: 1904355). An algorithm developed to predict the effect of missense changes on protein structure and function (PolyPhen-2) suggests that this variant is likely to be disruptive. In summary, the available evidence is currently insufficient to determine the role of this variant in disease. Therefore, it has been classified as a Variant of Uncertain Significance.

Ambry Genetics
Classification: Uncertain significance for Inborn genetic diseases. Last evaluated: 2024-03-30. Review status: criteria provided, single submitter. Criteria: Ambry Variant Classification Scheme 2023. Collection method: clinical testing. Allele origin: germline.

NM_153682.3(PIGP):c.333A>T (p.Leu111Phe)

Gene: PIGP (phosphatidylinositol glycan anchor biosynthesis class P; minus strand). Cytogenetic location: 21q22.13.
Variant type: single nucleotide variant.
Coding change: c.333A>T on transcript NM_153682.3 (MANE Select); coding-DNA position 333, A replaced by T.
Protein change: p.Leu111Phe; replaces leucine 111 with phenylalanine.
Molecular consequence: missense variant.
Genome position (GRCh38, 1-based): chr21:37,065,654, T>A on the plus strand (A>T on the coding strand, the complement: PIGP is on the minus strand). VCF-style: chr21-37065654-T-A. GRCh37 (hg19) VCF-style: chr21-38437954-T-A.
Other names: c.405A>T, p.Leu135Phe (NM_153681.2); c.333A>T, p.Leu111Phe (NM_001320480.2); c.255A>T, p.Leu85Phe (NM_016430.4); short protein forms L135F, L85F, L111F.
Identifiers: ClinVar variation 1904355 (VCV001904355.4), dbSNP rs763288452, ClinGen allele CA10021030.
Genomic context (GRCh38, chr21:37,065,654, plus strand): 5'-GTAAAGTTCTTTGGCTGCAAGAAAGAACATTTGGTTTACTTCACTAATAGAAATATCTCT[T>A]AAGGCTGGAATGGCCTCCTCTTGGTATTTCTTCTGCTGTTGATTTTTTGCATAGTTATCT-3'
Protein context (NP_710149.1, residues 101-121): KKYQEEAIPA[Leu111Phe]RDISISEVNQ